The following is an entry in ClinVar:

NM_001396959.1(TBC1D1):c.1834C>T (p.Arg612Trp)

Gene: TBC1D1 (TBC1 domain family member 1; plus strand). Cytogenetic location: 4p14.
Variant type: single nucleotide variant.
Coding change: c.1834C>T on transcript NM_001396959.1 (MANE Select); coding-DNA position 1834, C replaced by T.
Protein change: p.Arg612Trp; replaces arginine 612 with tryptophan.
Molecular consequence: missense variant.
Genome position (GRCh38, 1-based): chr4:38,049,822, C>T. VCF-style: chr4-38049822-C-T. GRCh37 (hg19) VCF-style: chr4-38051443-C-T.
Other names: c.1834C>T, p.Arg612Trp (NM_001253912.2, NM_015173.4); short protein forms R612W.
Identifiers: ClinVar variation 4992740 (VCV004992740.1).

ClinVar aggregate classification (germline): Uncertain significance (1 of 4 stars; one submission).

Conditions:
TBC1D1-related disorder. Also called: TBC1D1-related condition.

gnomAD v4.1: 10 of 1,613,990 alleles (0.00062%); highest among the groups gnomAD compares: South Asian, 0.0022%; no homozygotes.

Submission:

PreventionGenetics, part of Exact Sciences
Classification: Uncertain significance for TBC1D1-related condition. Last evaluated: 2025-12-17. Review status: criteria provided, single submitter. Criteria: ACMG Guidelines, 2015. Collection method: clinical testing. Allele origin: germline.
Comment: The TBC1D1 c.1834C>T variant is predicted to result in the amino acid substitution p.Arg612Trp. To our knowledge, this variant has not been reported in the literature. This variant is reported in 0.0027% of alleles in individuals of European (Non-Finnish) descent in gnomAD. At this time, the clinical significance of this variant is uncertain due to the absence of conclusive functional and genetic evidence.